The following is an entry in ClinVar:

ClinVar aggregate classification (germline): Conflicting classifications of pathogenicity. Review status: criteria provided, conflicting classifications (1 of 4 stars). 4 submissions from 4 submitters: Uncertain significance (2); Likely benign (2). Last evaluated 2024-09-06.

Conditions:
Inborn genetic diseases. Identifiers: MedGen C0950123, MeSH D030342.
Coffin-Siris syndrome 1 (CSS1). Also called: ARID1B-Related Coffin-Siris Syndrome; Mental retardation, autosomal dominant 12. Identifiers: Orphanet 1465, MedGen C3281201, MONDO:0007617, OMIM 135900. Disease mechanism: gain of function.

Allele frequency attached by ClinVar (database versions not stated): ExAC 0.00001; gnomAD 0.00001; gnomAD exomes 0.00001; TOPMed 0.00001; ESP Exome Variant Server 0.00031.
gnomAD v4.1: 49 of 1,614,096 alleles (0.003%); highest among the groups gnomAD compares: Non-Finnish European, 0.004%; no homozygotes.

Submissions (4):

Blueprint Genetics
Classification: Likely benign. Last evaluated: 2024-09-06. Review status: criteria provided, single submitter. Criteria: ACMG Guidelines, 2015. Collection method: clinical testing. Allele origin: germline.

Labcorp Genetics (formerly Invitae), Labcorp
Classification: Uncertain significance. Last evaluated: 2024-06-11. Review status: criteria provided, single submitter. Criteria: Invitae Variant Classification Sherloc (09022015). Collection method: clinical testing. Allele origin: germline.
Comment: This sequence change replaces proline, which is neutral and non-polar, with alanine, which is neutral and non-polar, at codon 1414 of the ARID1B protein (p.Pro1414Ala). This variant is present in population databases (rs140639463, gnomAD 0.002%). This variant has not been reported in the literature in individuals affected with ARID1B-related conditions. ClinVar contains an entry for this variant (Variation ID: 588802). Advanced modeling of protein sequence and biophysical properties (such as structural, functional, and spatial information, amino acid conservation, physicochemical variation, residue mobility, and thermodynamic stability) has been performed at Invitae for this missense variant, however the output from this modeling did not meet the statistical confidence thresholds required to predict the impact of this variant on ARID1B protein function. In summary, the available evidence is currently insufficient to determine the role of this variant in disease. Therefore, it has been classified as a Variant of Uncertain Significance.

Ambry Genetics
Classification: Likely benign for Inborn genetic diseases. Last evaluated: 2022-08-26. Review status: criteria provided, single submitter. Criteria: Ambry Variant Classification Scheme 2023. Collection method: clinical testing. Allele origin: germline.

Fulgent Genetics
Classification: Uncertain significance for Coffin-Siris syndrome 1. Last evaluated: 2021-09-08. Review status: criteria provided, single submitter. Criteria: ACMG Guidelines, 2015. Collection method: clinical testing. Allele origin: unknown.

NM_001374828.1(ARID1B):c.4609C>G (p.Pro1537Ala)

Gene: ARID1B (AT-rich interaction domain 1B; plus strand). Cytogenetic location: 6q25.3.
Variant type: single nucleotide variant.
Coding change: c.4609C>G on transcript NM_001374828.1 (MANE Select); coding-DNA position 4609, C replaced by G.
Protein change: p.Pro1537Ala; replaces proline 1537 with alanine.
Molecular consequence: missense variant.
Genome position (GRCh38, 1-based): chr6:157,200,834, C>G. VCF-style: chr6-157200834-C-G. GRCh37 (hg19) VCF-style: chr6-157521968-C-G.
Other names: c.4240C>G, p.Pro1414Ala (NM_020732.3); c.2110C>G, p.Pro704Ala (NM_001363725.2); c.4489C>G, p.Pro1497Ala (NM_001371656.1, NM_001374820.1); c.4450C>G, p.Pro1484Ala (NM_017519.3); short protein forms P1414A, P704A, P1484A, P1497A, P1537A.
Identifiers: ClinVar variation 588802 (VCV000588802.10), dbSNP rs140639463, ClinGen allele CA4067664.
Genomic context (GRCh38, chr6:157,200,834, plus strand): 5'-ATGCAGTACAGCAGCCAGCAGCAGGAGATGTACAACCAGTATGGAGGCTCCTACTCGGGC[C>G]CGGACCGCAGGCCCATCCAGGGCCAGTACCCGTATCCCTACAGCAGGGAGAGGATGCAGG-3'
Protein context (NP_001361757.1, residues 1527-1547): YNQYGGSYSG[Pro1537Ala]DRRPIQGQYP